The following is an entry in ClinVar:

NM_000459.5(TEK):c.3307_3314dup (p.Thr1105_Thr1106insTer)

Gene: TEK (TEK receptor tyrosine kinase; plus strand). Cytogenetic location: 9p21.2.
Variant type: Duplication.
Coding change: c.3307_3314dup on transcript NM_000459.5 (MANE Select); coding-DNA positions 3307 to 3314, 8 bases duplicated (GTGAATAC; older notation c.3307_3314dupGTGAATAC).
Protein change: p.Thr1105_Thr1106insTer.
Molecular consequence: nonsense.
Genome position (GRCh38, 1-based): chr9:27,229,164-27,229,171, GTGAATAC duplicated; duplicating any 8 consecutive bases within chr9:27,229,161-27,229,171 gives the same sequence; the c. name uses the placement nearest the transcript's 3' end. VCF-style (leftmost placement, unchanged base first): chr9-27229160-C-CTACGTGAA. GRCh37 (hg19) VCF-style: chr9-27229158-C-CTACGTGAA.
Other names: c.3178_3185dup, p.Thr1062_Thr1063insTer (NM_001290077.2); c.2863_2870dup, p.Thr957_Thr958insTer (NM_001290078.2); c.3304_3311dup, p.Thr1104_Thr1105insTer (NM_001375475.1); c.3175_3182dup, p.Thr1061_Thr1062insTer (NM_001375476.1).
Identifiers: ClinVar variation 4974564 (VCV004974564.1).

ClinVar aggregate classification (germline): Likely pathogenic (1 of 4 stars; one submission).

Conditions:
Vascular malformation. Also called: Vascular malformations. Identifiers: MedGen C0158570, MONDO:0024291.

Submission:

Clinical Genomics Laboratory, Washington University in St. Louis
Classification: Likely pathogenic for Vascular malformation. Last evaluated: 2026-02-13. Review status: criteria provided, single submitter. Criteria: Leon-Quintero et al. (Clin Genet. 2025). Collection method: clinical testing. Allele origin: somatic. Affected: yes.
Comment: A TEK c.3307_3314dup (p.Thr1106*) variant was identified at an allelic fraction consistent with somatic origin. This variant, to our knowledge, has not been reported in the medical literature, however, many similar indels in this region of the TEK gene have been identified in individuals with vascular malformations and are considered likely pathogenic/pathogenic (Soblet J et al., PMID: 27519652; Sterba M et al., PMID: 37380669; Mattassi R et al., PMID: 28655553; Paolacci S et al., PMID: 33105631; Ghasemi R et al., PMID: 39632338). It is absent from the general population (gnomAD v.4.1.0), indicating it is not a common variant. The TEK c.3307_3314dup (p.Thr1106*) variant causes a premature termination codon; however, because this occurs in the last exon, it is not predicted to lead to nonsense-mediated decay. This variant resides within the C-terminal tail of TEK, which is a critical functional domain (Shewchuk LM et al., PMID: 11080633). In particular, functional studies show that the C-terminal tail exerts an autoinhibitory effect on TIE2, and truncated protein products disrupting this region have been shown to increase kinase activity in vitro as well as increase downstream signaling and impair apoptosis in a cell line (Wouters V et al., PMID: 19888299; Murray BW et al., PMID: 11513602; Niu XL et al., PMID: 12082108). Based on available information and an internally developed protocol informed by the ACMG/AMP guidelines for variant interpretation and gene-specific practices from the ClinGen Criteria Specification Registry (Leon-Quintero FZ et al., PMID: 39434542), the TEK c.3307_3314dup (p.Thr1106*) variant is classified as likely pathogenic.